The following is an entry in ClinVar:

ClinVar aggregate classification (germline): Benign/Likely benign. Review status: criteria provided, multiple submitters, no conflicts (2 of 4 stars). 4 submissions from 4 submitters: Benign (3); Likely benign (1). Last evaluated 2025-12-03.

Conditions:
Borjeson-Forssman-Lehmann syndrome (BFLS). Also called: MENTAL RETARDATION, X-LINKED, SYNDROMIC, BORJESON-FORSSMAN-LEHMANN TYPE; MENTAL RETARDATION, EPILEPSY, AND ENDOCRINE DISORDERS; BORJESON SYNDROME. Identifiers: Orphanet 127, MedGen C0265339, MONDO:0010537, OMIM 301900.

Allele frequency attached by ClinVar (database versions not stated): gnomAD exomes 0.00038 and 0.00091; ExAC 0.00138; 1000 Genomes Project 0.00291; 1000 Genomes Project 30x 0.00312; gnomAD 0.00342 and 0.00364; TOPMed 0.00373; ESP Exome Variant Server 0.00464.
gnomAD v4.1: 807 of 1,199,305 alleles (0.067%); highest among the groups gnomAD compares: African/African-American, 1.2%; 7 homozygotes.

Submissions (4):

Labcorp Genetics (formerly Invitae), Labcorp
Classification: Benign for Borjeson-Forssman-Lehmann syndrome. Last evaluated: 2025-12-03. Review status: criteria provided, single submitter. Criteria: Invitae Variant Classification Sherloc (09022015). Collection method: clinical testing. Allele origin: germline.

Blueprint Genetics
Classification: Likely benign. Last evaluated: 2024-11-26. Review status: criteria provided, single submitter. Criteria: ACMG Guidelines, 2015. Collection method: clinical testing. Allele origin: germline.

GeneDx
Classification: Benign. Last evaluated: 2018-02-22. Review status: criteria provided, single submitter. Criteria: GeneDx Variant Classification (06012015). Collection method: clinical testing. Allele origin: germline. Affected: yes.
Comment: This variant is considered likely benign or benign based on one or more of the following criteria: it is a conservative change, it occurs at a poorly conserved position in the protein, it is predicted to be benign by multiple in silico algorithms, and/or has population frequency not consistent with disease.

Breakthrough Genomics
Classification: Benign. Review status: criteria provided, single submitter. Criteria: ACMG Guidelines, 2015. Collection method: not provided. Allele origin: germline. Inheritance: X-linked inheritance. Affected: yes.

NM_001015877.2(PHF6):c.730-11T>G

Gene: PHF6 (PHD finger protein 6; plus strand). Cytogenetic location: Xq26.2.
Variant type: single nucleotide variant.
Coding change: c.730-11T>G on transcript NM_001015877.2 (MANE Select); 11 bases into the intron before coding-DNA position 730, T replaced by G.
Molecular consequence: intron variant.
Genome position (GRCh38, 1-based): chrX:134,415,005, T>G. VCF-style: chrX-134415005-T-G. GRCh37 (hg19) VCF-style: chrX-133549035-T-G.
Other names: c.730-11T>G (NM_032458.3); c.733-11T>G (NM_032335.3, LRG_629t2).
Identifiers: ClinVar variation 506313 (VCV000506313.11), dbSNP rs192977933, ClinGen allele CA10521258.
Genomic context (GRCh38, chrX:134,415,005, plus strand): 5'-CTTGTTATCACATTTAATGTTTCTCTCATAAGGATTCTGAATGTTAATTTTCCTGCATTT[T>G]TCTTCTCTAGTTGTTTTCTTCTGGCACAGTCCAGCTCACAACAACATCAAGAGCAGAATT-3'